The following is an entry in ClinVar:

NM_004655.4(AXIN2):c.467_468delinsTT (p.Tyr156Phe)

Gene: AXIN2 (axin 2; minus strand). Cytogenetic location: 17q24.1.
Variant type: Indel.
Coding change: c.467_468delinsTT on transcript NM_004655.4 (MANE Select); coding-DNA positions 467 to 468, AC replaced by TT.
Protein change: p.Tyr156Phe; replaces tyrosine 156 with phenylalanine.
Molecular consequence: missense variant.
Genome position (GRCh38, 1-based): chr17:65,558,153-65,558,154, GT replaced by AA on the plus strand (AC replaced by TT on the coding strand, the reverse complement: AXIN2 is on the minus strand). VCF-style: chr17-65558153-GT-AA. GRCh37 (hg19) VCF-style: chr17-63554271-GT-AA.
Other names: c.467_468delinsTT, p.Tyr156Phe (NM_001363813.1); short protein forms Y156F.
Identifiers: ClinVar variation 1742319 (VCV001742319.2), dbSNP rs2544250472, ClinGen allele CA2580095110.
Genomic context (GRCh38, chr17:65,558,153, plus strand): 5'-GGTCTGCGCCTGGTCAAACATGATGGAATCAATCTGCTGCTTCTTGATGCCATCTCTTAT[GT>AA]AGGTCTTGGTGGCAGGCTTCAGCTGCTTGGAGACAATGCTGTTGTTCTCAATGTACCTTT-3'
Protein context (NP_004646.3, residues 146-166): SKQLKPATKT[Tyr156Phe]IRDGIKKQQI

ClinVar aggregate classification (germline): Uncertain significance (1 of 4 stars; one submission).

Conditions:
Hereditary cancer-predisposing syndrome. Also called: Hereditary Cancer Syndrome; Hereditary neoplastic syndrome; Neoplastic Syndromes, Hereditary; Tumor predisposition. Identifiers: Orphanet 140162, MedGen C0027672, MeSH D009386, MONDO:0015356.

Submission:

Ambry Genetics
Classification: Uncertain significance for Hereditary cancer-predisposing syndrome. Last evaluated: 2021-06-14. Review status: criteria provided, single submitter. Criteria: Ambry Variant Classification Scheme 2023. Collection method: clinical testing. Allele origin: germline.
Comment: The c.467_468delACinsTT variant, located in coding exon 1 of the AXIN2 gene, results from an in-frame deletion of AC and insertion of TT at nucleotide positions 467 to 468. This results in the substitution of the tyrosine residue for a phenylalanine residue at codon 156, an amino acid with highly similar properties. This amino acid position is not well conserved in available vertebrate species. In addition, this alteration is predicted to be neutral by in silico analysis (Choi Y et al. PLoS ONE. 2012; 7(10):e46688). Since supporting evidence is limited at this time, the clinical significance of this alteration remains unclear.